The following is an entry in ClinVar:

ClinVar aggregate classification (germline): Benign (1 of 4 stars; one submission).

Allele frequency attached by ClinVar (database versions not stated): gnomAD 0.69544; 1000 Genomes Project 30x 0.72486; 1000 Genomes Project 0.72105; TOPMed 0.71331.
gnomAD v4.1: 106,494 of 152,100 alleles (70%); highest among the groups gnomAD compares: African/African-American, 92%; 38,737 homozygotes.

Submission:

GeneDx
Classification: Benign. Last evaluated: 2018-06-14. Review status: criteria provided, single submitter. Criteria: GeneDx Variant Classification (06012015). Collection method: clinical testing. Allele origin: germline. Affected: yes.
Comment: This variant is considered likely benign or benign based on one or more of the following criteria: it is a conservative change, it occurs at a poorly conserved position in the protein, it is predicted to be benign by multiple in silico algorithms, and/or has population frequency not consistent with disease.

NM_153676.4(USH1C):c.675-296A>G

Gene: USH1C (USH1 protein network component harmonin; minus strand). Cytogenetic location: 11p15.1.
Variant type: single nucleotide variant.
Coding change: c.675-296A>G on transcript NM_153676.4 (MANE Select); 296 bases into the intron before coding-DNA position 675, A replaced by G.
Molecular consequence: intron variant.
Genome position (GRCh38, 1-based): chr11:17,524,831, T>C on the plus strand (A>G on the coding strand, the complement: USH1C is on the minus strand). VCF-style: chr11-17524831-T-C. GRCh37 (hg19) VCF-style: chr11-17546378-T-C.
Other names: c.675-296A>G (NM_001297764.2, NM_005709.4).
Identifiers: ClinVar variation 667874 (VCV000667874.1), dbSNP rs4756898, ClinGen allele CA15721447.